The following is an entry in ClinVar:

NM_004004.6(GJB2):c.490C>G (p.Gln164Glu)

Gene: GJB2 (gap junction protein beta 2; minus strand). Cytogenetic location: 13q12.11.
Variant type: single nucleotide variant.
Coding change: c.490C>G on transcript NM_004004.6 (MANE Select); coding-DNA position 490, C replaced by G.
Protein change: p.Gln164Glu; replaces glutamine 164 with glutamic acid.
Molecular consequence: missense variant.
Genome position (GRCh38, 1-based): chr13:20,189,092, G>C on the plus strand (C>G on the coding strand, the complement: GJB2 is on the minus strand). VCF-style: chr13-20189092-G-C. GRCh37 (hg19) VCF-style: chr13-20763231-G-C.
Other names: short protein forms Q164E.
Identifiers: ClinVar variation 1208558 (VCV001208558.5), dbSNP rs757699303, ClinGen allele CA6904258.
Genomic context (GRCh38, chr13:20,189,092, plus strand): 5'-GGGACACAAAGCAGTCCACAGTGTTGGGACAAGGCCAGGCGTTGCACTTCACCAGCCGCT[G>C]CATGGAGAAGCCGTCGTACATGACATAGAAGACGTACATGAAGGCGGCTTCGAAGATGAC-3'
Protein context (NP_003995.2, residues 154-174): FYVMYDGFSM[Gln164Glu]RLVKCNAWPC

ClinVar aggregate classification (germline): Uncertain significance. Review status: criteria provided, multiple submitters, no conflicts (2 of 4 stars). 3 submissions from 3 submitters: Uncertain significance (2). 1 of the submissions does not count toward it. Last evaluated 2023-11-21.

Conditions:
Autosomal recessive nonsyndromic hearing loss 1A (DFNB1A). Also called: Nonsyndromic Hearing Loss and Deafness, DFNB1; GJB2-Related Autosomal Recessive Nonsyndromic Hearing Loss; GJB6-Related DFNB 1 Nonsyndromic Hearing Loss and Deafness; Deafness, autosomal recessive 1A; Connexin 26 deafness; Deafness nonsyndromic, Connexin 26 linked. Identifiers: Orphanet 90636, MedGen C2673759, MONDO:0009076, OMIM 220290.

Allele frequency attached by ClinVar (database versions not stated): gnomAD exomes below 0.00001 and 0.00001; ExAC 0.00001.

Submissions (3):

Laboratory for Molecular Medicine, Mass General Brigham Personalized Medicine
Classification: Uncertain significance. Last evaluated: 2023-11-21. Review status: criteria provided, single submitter. Criteria: ACMG Guidelines, 2015. Collection method: clinical testing. Allele origin: germline.
Comment: The p.Gln164Glu variant in GJB2 has not been previously reported in individuals with hearing loss but has been identified in 0.017% (7/41458) of African chromosomes by gnomAD (v.3.1.2). This variant has also been reported in ClinVar (Variation ID 1208558). Computational prediction tools and conservation analyses do not provide strong support for or against an impact to the protein. In summary, the clinical significance of this variant is uncertain. ACMG/AMP Criteria applied: PM2_Supporting.

GeneDx
Classification: Uncertain significance. Last evaluated: 2020-07-09. Review status: criteria provided, single submitter. Criteria: GeneDx Variant Classification Process June 2021. Collection method: clinical testing. Allele origin: germline. Affected: yes.
Comment: In silico analysis supports that this missense variant does not alter protein structure/function; Has not been previously published as pathogenic or benign to our knowledge

Natera, Inc.
Classification: Uncertain significance for Autosomal recessive deafness type 1A. Last evaluated: 2020-05-14. Review status: no assertion criteria provided. Collection method: clinical testing. Allele origin: germline. Not counted in ClinVar's aggregate classification.